The following is an entry in ClinVar:

NM_000059.4(BRCA2):c.2769G>T (p.Lys923Asn)

Gene: BRCA2 (BRCA2 DNA repair associated; plus strand). Cytogenetic location: 13q13.1.
Variant type: single nucleotide variant.
Coding change: c.2769G>T on transcript NM_000059.4 (MANE Select); coding-DNA position 2769, G replaced by T.
Protein change: p.Lys923Asn; replaces lysine 923 with asparagine.
Molecular consequence: missense variant.
Genome position (GRCh38, 1-based): chr13:32,337,124, G>T. VCF-style: chr13-32337124-G-T. GRCh37 (hg19) VCF-style: chr13-32911261-G-T.
Other names: c.2769G>T (NM_000059.3); short protein forms K923N.
Identifiers: ClinVar variation 1370867 (VCV001370867.9), dbSNP rs2137489694, ClinGen allele CA387773680.
Genomic context (GRCh38, chr13:32,337,124, plus strand): 5'-AGGAAATACTAAGGAACTTCATGAAACAGACTTGACTTGTGTAAACGAACCCATTTTCAA[G>T]AACTCTACCATGGTTTTATATGGAGACACAGGTGATAAACAAGCAACCCAAGTGTCAATT-3'
Protein context (NP_000050.3, residues 913-933): DLTCVNEPIF[Lys923Asn]NSTMVLYGDT

ClinVar aggregate classification (germline): Conflicting classifications of pathogenicity. Review status: criteria provided, conflicting classifications (1 of 4 stars). 5 submissions from 5 submitters: Uncertain significance (4); Likely benign (1). Last evaluated 2025-10-19.

Conditions:
BRCA2-related cancer predisposition. Identifiers: MedGen CN377758, MONDO:0700269.
Hereditary cancer-predisposing syndrome. Also called: Neoplastic Syndromes, Hereditary; Tumor predisposition; Hereditary neoplastic syndrome; Hereditary Cancer Syndrome. Identifiers: Orphanet 140162, MedGen C0027672, MeSH D009386, MONDO:0015356.
Hereditary breast ovarian cancer syndrome. Also called: BRCA1- and BRCA2-Associated Hereditary Breast and Ovarian Cancer; Hereditary breast and ovarian cancer; Hereditary breast and ovarian cancer syndrome; Hereditary breast and/or ovarian cancer syndrome; Hereditary breast and ovarian cancer syndrome (HBOC); Breast and ovarian cancer. Identifiers: Orphanet 145, MedGen C0677776, MeSH D061325, MONDO:0003582. Disease mechanism: loss of function.

Submissions (5):

Ambry Genetics
Classification: Uncertain significance for Hereditary cancer-predisposing syndrome. Last evaluated: 2025-10-19. Review status: criteria provided, single submitter. Criteria: Ambry Variant Classification Scheme 2023. Collection method: clinical testing. Allele origin: germline.
Comment: The p.K923N variant (also known as c.2769G>T), located in coding exon 10 of the BRCA2 gene, results from a G to T substitution at nucleotide position 2769. The lysine at codon 923 is replaced by asparagine, an amino acid with similar properties. This amino acid position is conserved. In addition, this alteration is predicted to be tolerated by in silico analysis. Based on the available evidence, the clinical significance of this variant remains unclear.

Color Diagnostics, LLC DBA Color Health
Classification: Uncertain significance for Hereditary cancer-predisposing syndrome. Last evaluated: 2025-10-13. Review status: criteria provided, single submitter. Criteria: ACMG Guidelines, 2015. Collection method: clinical testing. Allele origin: germline.
Comment: This missense variant replaces lysine with asparagine at codon 923 of the BRCA2 protein. Computational prediction suggests that this variant may not impact protein structure and function. To our knowledge, functional studies have not been reported for this variant. This variant has not been reported in individuals affected with BRCA2-related disorders in the literature. This variant has not been identified in the general population by the Genome Aggregation Database (gnomAD). The available evidence is insufficient to determine the role of this variant in disease conclusively. Therefore, this variant is classified as a Variant of Uncertain Significance.

Labcorp Genetics (formerly Invitae), Labcorp
Classification: Uncertain significance for Hereditary breast ovarian cancer syndrome. Last evaluated: 2024-11-27. Review status: criteria provided, single submitter. Criteria: Invitae Variant Classification Sherloc (09022015). Collection method: clinical testing. Allele origin: germline.
Comment: This sequence change replaces lysine, which is basic and polar, with asparagine, which is neutral and polar, at codon 923 of the BRCA2 protein (p.Lys923Asn). This variant is not present in population databases (gnomAD no frequency). This variant has not been reported in the literature in individuals affected with BRCA2-related conditions. ClinVar contains an entry for this variant (Variation ID: 1370867). Invitae Evidence Modeling of protein sequence and biophysical properties (such as structural, functional, and spatial information, amino acid conservation, physicochemical variation, residue mobility, and thermodynamic stability) indicates that this missense variant is not expected to disrupt BRCA2 protein function with a negative predictive value of 95%. In summary, the available evidence is currently insufficient to determine the role of this variant in disease. Therefore, it has been classified as a Variant of Uncertain Significance.

All of Us Research Program, National Institutes of Health
Classification: Uncertain significance for BRCA2-related cancer predisposition. Last evaluated: 2024-08-06. Review status: criteria provided, single submitter. Criteria: ACMG Guidelines, 2015. Collection method: clinical testing. Allele origin: germline. Inheritance: Autosomal dominant inheritance. Observed: 1 variant allele, 1 heterozygote.
Comment: This study involves interpretation of variants in research participants for the purpose of population health screening. Participant phenotype was not available at the time of variant classification. Additional details can be found in publication PMID: 35346344, PMCID: PMC8962531

University of Washington Department of Laboratory Medicine, University of Washington
Classification: Likely benign for Hereditary cancer-predisposing syndrome. Last evaluated: 2023-03-23. Review status: criteria provided, single submitter. Criteria: Dines et al. (Genet Med. 2020). Collection method: curation. Allele origin: germline.
Comment: Missense variant in a coldspot region where missense variants are very unlikely to be pathogenic (PMID:31911673).

BRCA2 exon 11 coldspot. Reclassification based on statistical prior probability.